The following is an entry in ClinVar:

NM_000032.5(ALAS2):c.841G>C (p.Asp281His)

Gene: ALAS2 (5'-aminolevulinate synthase 2; minus strand). Cytogenetic location: Xp11.21.
Variant type: single nucleotide variant.
Coding change: c.841G>C on transcript NM_000032.5 (MANE Select); coding-DNA position 841, G replaced by C.
Protein change: p.Asp281His; replaces aspartic acid 281 with histidine.
Molecular consequence: missense variant.
Genome position (GRCh38, 1-based): chrX:55,017,648, C>G on the plus strand (G>C on the coding strand, the complement: ALAS2 is on the minus strand). VCF-style: chrX-55017648-C-G. GRCh37 (hg19) VCF-style: chrX-55044081-C-G.
Other names: c.730G>C, p.Asp244His (NM_001037967.4); c.802G>C, p.Asp268His (NM_001037968.4); short protein forms D281H, D244H, D268H.
Identifiers: ClinVar variation 2110519 (VCV002110519.4), dbSNP rs2519582648, ClinGen allele CA413294693.

ClinVar aggregate classification (germline): Uncertain significance (1 of 4 stars; one submission).

Submission:

Labcorp Genetics (formerly Invitae), Labcorp
Classification: Uncertain significance. Last evaluated: 2022-03-18. Review status: criteria provided, single submitter. Criteria: Invitae Variant Classification Sherloc (09022015). Collection method: clinical testing. Allele origin: germline.
Comment: This sequence change replaces aspartic acid, which is acidic and polar, with histidine, which is basic and polar, at codon 281 of the ALAS2 protein (p.Asp281His). This variant is not present in population databases (gnomAD no frequency). This variant has not been reported in the literature in individuals affected with ALAS2-related conditions. Advanced modeling of protein sequence and biophysical properties (such as structural, functional, and spatial information, amino acid conservation, physicochemical variation, residue mobility, and thermodynamic stability) performed at Invitae indicates that this missense variant is expected to disrupt ALAS2 protein function. In summary, the available evidence is currently insufficient to determine the role of this variant in disease. Therefore, it has been classified as a Variant of Uncertain Significance.